The following is an entry in ClinVar:

NM_005121.3(MED13):c.4373A>G (p.Tyr1458Cys)

Gene: MED13 (mediator complex subunit 13; minus strand). Cytogenetic location: 17q23.2.
Variant type: single nucleotide variant.
Coding change: c.4373A>G on transcript NM_005121.3 (MANE Select); coding-DNA position 4373, A replaced by G.
Protein change: p.Tyr1458Cys; replaces tyrosine 1458 with cysteine.
Molecular consequence: missense variant.
Genome position (GRCh38, 1-based): chr17:61,966,470, T>C on the plus strand (A>G on the coding strand, the complement: MED13 is on the minus strand). VCF-style: chr17-61966470-T-C. GRCh37 (hg19) VCF-style: chr17-60043831-T-C.
Other names: short protein forms Y1458C.
Identifiers: ClinVar variation 1697102 (VCV001697102.3), dbSNP rs2143378190, ClinGen allele CA400497496.

ClinVar aggregate classification (germline): Uncertain significance. Review status: criteria provided, multiple submitters, no conflicts (2 of 4 stars). 2 submissions from 2 submitters: Uncertain significance (2). Last evaluated 2023-02-09.

Conditions:
Intellectual developmental disorder 61. Also called: INTELLECTUAL DEVELOPMENTAL DISORDER, AUTOSOMAL DOMINANT 61; MENTAL RETARDATION, AUTOSOMAL DOMINANT 61. Identifiers: MedGen C5231400, MONDO:0032485, OMIM 618009.

Allele frequency attached by ClinVar (database versions not stated): gnomAD exomes below 0.00001.
gnomAD v4.1: 1 of 1,610,970 alleles (0.000062%); highest among the groups gnomAD compares: East Asian, 0.0022%; no homozygotes.

Submissions (2):

GeneDx
Classification: Uncertain significance. Last evaluated: 2023-02-09. Review status: criteria provided, single submitter. Criteria: GeneDx Variant Classification Process June 2021. Collection method: clinical testing. Allele origin: germline. Affected: yes.
Comment: Not observed at significant frequency in large population cohorts (gnomAD); In silico analysis supports that this missense variant has a deleterious effect on protein structure/function; Has not been previously published as pathogenic or benign to our knowledge

Illumina Laboratory Services, Illumina
Classification: Uncertain significance for Intellectual developmental disorder 61. Last evaluated: 2020-10-22. Review status: criteria provided, single submitter. Criteria: ICSLVariantClassificationCriteria RUGD 01 April 2020. Collection method: clinical testing. Allele origin: unknown.
Comment: The MED13 c.4373A>G p.(Tyr1458Cys) missense variant has not, to our knowledge, been reported in the peer-reviewed literature. This variant is not observed in version 2.1.1 or version 3.1.2 of the Genome Aggregation Database. Based on the limited evidence, the c.4373A>G p.(Tyr1458Cys) variant is classified as a variant of uncertain significance for autosomal dominant intellectual development disorder.